The following is an entry in ClinVar:

ClinVar aggregate classification (germline): Uncertain significance (1 of 4 stars; one submission).

Conditions:
Inborn genetic diseases. Identifiers: MedGen C0950123, MeSH D030342.

Submission:

Ambry Genetics
Classification: Uncertain significance for Inborn genetic diseases. Last evaluated: 2025-04-24. Review status: criteria provided, single submitter. Criteria: Ambry Variant Classification Scheme 2023. Collection method: clinical testing. Allele origin: germline.
Comment: The p.E197V variant (also known as c.590A>T), located in coding exon 5 of the RECQL4 gene, results from an A to T substitution at nucleotide position 590. The glutamic acid at codon 197 is replaced by valine, an amino acid with dissimilar properties. This amino acid position is conserved. In addition, this alteration is predicted to be tolerated by in silico analysis. Based on the available evidence, the clinical significance of this variant remains unclear.

NM_004260.4(RECQL4):c.590A>T (p.Glu197Val)

Gene: RECQL4 (RecQ like helicase 4; minus strand). Cytogenetic location: 8q24.3.
Variant type: single nucleotide variant.
Coding change: c.590A>T on transcript NM_004260.4 (MANE Select); coding-DNA position 590, A replaced by T.
Protein change: p.Glu197Val; replaces glutamic acid 197 with valine.
Molecular consequence: missense variant. On other transcripts: 5 prime UTR variant (15), non-coding transcript variant (3), intron variant (3).
Genome position (GRCh38, 1-based): chr8:144,516,529, T>A on the plus strand (A>T on the coding strand, the complement: RECQL4 is on the minus strand). VCF-style: chr8-144516529-T-A. GRCh37 (hg19) VCF-style: chr8-145741913-T-A.
Other names: c.590A>T, p.Glu197Val (NM_001413017.1, NM_001413018.1, NM_001413019.1 and 4 more transcripts); c.-482A>T (NM_001413022.1, NM_001413023.1, NM_001413024.1 and 5 more transcripts); c.461A>T, p.Glu154Val (NM_001413025.1); c.-544A>T (NM_001413027.1, NM_001413030.1, NM_001413031.1 and 2 more transcripts); c.-386A>T (NM_001413034.1); c.-751A>T (NM_001413043.1); c.355-116A>T (NM_001413029.1); c.-366-116A>T (NM_001413021.1, NM_001413028.1); short protein forms E154V, E197V.
Identifiers: ClinVar variation 3944295 (VCV003944295.1).